The following is an entry in ClinVar:

NM_001290208.3(ZNF717):c.1257G>A (p.Gly419=)

Gene: ZNF717 (zinc finger protein 717; minus strand). Cytogenetic location: 3p12.3.
Variant type: single nucleotide variant.
Coding change: c.1257G>A on transcript NM_001290208.3 (MANE Select); coding-DNA position 1257, G replaced by A.
Protein change: p.Gly419=; no amino-acid change (glycine 419 retained).
Molecular consequence: synonymous variant. On other transcripts: intron variant (3).
Genome position (GRCh38, 1-based): chr3:75,738,366, C>T on the plus strand (G>A on the coding strand, the complement: ZNF717 is on the minus strand). VCF-style: chr3-75738366-C-T. GRCh37 (hg19) VCF-style: chr3-75787517-C-T.
Other names: c.1257G>A, p.Gly419= (NM_001128223.3, NM_001324027.1); c.1107G>A, p.Gly369= (NM_001290209.3); c.277+2910G>A (NM_001290210.2, NM_001324026.2); c.256+2910G>A (NM_001324028.1).
Identifiers: ClinVar variation 4084545 (VCV004084545.8).

ClinVar aggregate classification (germline): Likely benign (1 of 4 stars; one submission).

Submission:

CeGaT Center for Human Genetics Tuebingen
Classification: Likely benign. Last evaluated: 2025-07-01. Review status: criteria provided, single submitter. Criteria: CeGaT Center For Human Genetics Tuebingen Variant Classification Criteria Version 2. Collection method: clinical testing. Allele origin: germline. Affected: yes. Observed: 1 variant allele.
Comment: ZNF717: BP4, BP7